The following is an entry in ClinVar:

ClinVar aggregate classification (germline): Conflicting classifications of pathogenicity. Review status: criteria provided, conflicting classifications (1 of 4 stars). 4 submissions from 4 submitters: Uncertain significance (3); Likely benign (1). Last evaluated 2025-10-23.

Conditions:
Familial thoracic aortic aneurysm and aortic dissection (TAAD). Also called: Thoracic aortic aneurysms and dissections. Identifiers: Orphanet 91387, MedGen C4707243, MONDO:0019625.
Marfan syndrome (MFS). Also called: Marfan syndrome, classic; Marfan syndrome type 1; Marfan's syndrome; FBN1-Related Marfan Syndrome; MARFAN SYNDROME, TYPE I. Identifiers: Orphanet 284963, Orphanet 558, MedGen C0024796, MONDO:0007947, OMIM 154700.

Allele frequency attached by ClinVar (database versions not stated): gnomAD exomes 0.00001 and below 0.00001; gnomAD 0.00002 and 0.00003; 1000 Genomes Project 30x 0.00016; TOPMed 0.00002; 1000 Genomes Project 0.00020.
gnomAD v4.1: 19 of 1,614,148 alleles (0.0012%); highest among the groups gnomAD compares: African/African-American, 0.0053%; no homozygotes.

Submissions (4):

Labcorp Genetics (formerly Invitae), Labcorp
Classification: Likely benign for Marfan syndrome; Familial thoracic aortic aneurysm and aortic dissection. Last evaluated: 2025-10-23. Review status: criteria provided, single submitter. Criteria: Invitae Variant Classification Sherloc (09022015). Collection method: clinical testing. Allele origin: germline.

Women's Health and Genetics/Laboratory Corporation of America, LabCorp
Classification: Uncertain significance. Last evaluated: 2025-05-16. Review status: criteria provided, single submitter. Criteria: LabCorp Variant Classification Summary - May 2015. Collection method: clinical testing. Allele origin: germline.
Comment: Variant summary: FBN1 c.5467G>A (p.Glu1823Lys) results in a conservative amino acid change located in the EGF-like calcium-binding repeat domain (IPR001881) of the encoded protein sequence. Algorithms developed to predict the effect of missense changes on protein structure and function are either unavailable or do not agree on the potential impact of this missense change. The variant allele was found at a frequency of 1.2e-05 in 1607176 control chromosomes in the gnomAD database (v4.1 dataset). This frequency is not significantly higher than estimated for a pathogenic variant in FBN1 causing Aortopathy (1.2e-05 vs 0.00011), allowing no conclusion about variant significance. To our knowledge, no occurrence of c.5467G>A in individuals affected with Aortopathy and no experimental evidence demonstrating its impact on protein function have been reported. ClinVar contains an entry for this variant (Variation ID: 947613). Based on the evidence outlined above, the variant was classified as uncertain significance.

Color Diagnostics, LLC DBA Color Health
Classification: Uncertain significance for Familial thoracic aortic aneurysm and aortic dissection. Last evaluated: 2023-11-02. Review status: criteria provided, single submitter. Criteria: ACMG Guidelines, 2015. Collection method: clinical testing. Allele origin: germline.
Comment: This missense variant replaces glutamic acid with lysine at codon 1823 of the FBN1 protein. Computational prediction suggests that this variant may not impact protein structure and function (internally defined REVEL score threshold <= 0.5, PMID: 27666373). To our knowledge, functional studies have not been reported for this variant. This variant has not been reported in individuals affected with FBN1-related disorders in the literature. This variant has been identified in 1/251218 chromosomes in the general population by the Genome Aggregation Database (gnomAD). The available evidence is insufficient to determine the role of this variant in disease conclusively. Therefore, this variant is classified as a Variant of Uncertain Significance.

All of Us Research Program, National Institutes of Health
Classification: Uncertain significance for Marfan syndrome. Last evaluated: 2023-08-15. Review status: criteria provided, single submitter. Criteria: ACMG Guidelines, 2015. Collection method: clinical testing. Allele origin: germline. Inheritance: Autosomal dominant inheritance. Observed: 1 variant allele, 1 heterozygote.
Comment: This study involves interpretation of variants in research participants for the purpose of population health screening. Participant phenotype was not available at the time of variant classification. Additional details can be found in publication PMID: 35346344, PMCID: PMC8962531

NM_000138.5(FBN1):c.5467G>A (p.Glu1823Lys)

Gene: FBN1 (fibrillin 1; minus strand). Cytogenetic location: 15q21.1.
Variant type: single nucleotide variant.
Coding change: c.5467G>A on transcript NM_000138.5 (MANE Select); coding-DNA position 5467, G replaced by A.
Protein change: p.Glu1823Lys; replaces glutamic acid 1823 with lysine.
Molecular consequence: missense variant.
Genome position (GRCh38, 1-based): chr15:48,452,640, C>T on the plus strand (G>A on the coding strand, the complement: FBN1 is on the minus strand). VCF-style: chr15-48452640-C-T. GRCh37 (hg19) VCF-style: chr15-48744837-C-T.
Other names: short protein forms E1823K.
Identifiers: ClinVar variation 947613 (VCV000947613.13), dbSNP rs567397762, ClinGen allele CA269537813.
Genomic context (GRCh38, chr15:48,452,640, plus strand): 5'-AGGTGAAGCGGTAGCCGGGCTTACAGTCACAGCGGTAGCTGCCTGCAGTGTTGATGCATT[C>T]GGCGTTGCGCTGGCACACTGGGCCGTTCTGACACTCGTCAATATCTACGAGCAGAAGAGA-3'
Protein context (NP_000129.3, residues 1813-1833): QNGPVCQRNA[Glu1823Lys]CINTAGSYRC